The following is an entry in ClinVar:

NM_005245.4(FAT1):c.2412G>A (p.Ala804=)

Gene: FAT1 (FAT atypical cadherin 1; minus strand). Cytogenetic location: 4q35.2.
Variant type: single nucleotide variant.
Coding change: c.2412G>A on transcript NM_005245.4 (MANE Select); coding-DNA position 2412, G replaced by A.
Protein change: p.Ala804=; no amino-acid change (alanine 804 retained).
Molecular consequence: synonymous variant.
Genome position (GRCh38, 1-based): chr4:186,707,416, C>T on the plus strand (G>A on the coding strand, the complement: FAT1 is on the minus strand). VCF-style: chr4-186707416-C-T. GRCh37 (hg19) VCF-style: chr4-187628570-C-T.
Other names: c.2412G>A (NM_005245.3).
Identifiers: ClinVar variation 2413751 (VCV002413751.9), dbSNP rs543839834, ClinGen allele CA3167266.

ClinVar aggregate classification (germline): Likely benign. Review status: criteria provided, single submitter (1 of 4 stars). 2 submissions from 2 submitters: Likely benign (1). 1 of the submissions does not count toward it. Last evaluated 2022-06-16.

Conditions:
FAT1-related disorder. Also called: FAT1-related condition.

Allele frequency attached by ClinVar (database versions not stated): gnomAD exomes 0.00002; ExAC 0.00005; gnomAD 0.00009; TOPMed 0.00011.
gnomAD v4.1: 35 of 1,613,994 alleles (0.0022%); highest among the groups gnomAD compares: African/African-American, 0.027%; no homozygotes.

Submissions (2):

Labcorp Genetics (formerly Invitae), Labcorp
Classification: Likely benign. Last evaluated: 2022-06-16. Review status: criteria provided, single submitter. Criteria: Invitae Variant Classification Sherloc (09022015). Collection method: clinical testing. Allele origin: germline.

PreventionGenetics, part of Exact Sciences
Classification: Likely benign for FAT1-related condition. Last evaluated: 2020-01-15. Review status: no assertion criteria provided. Collection method: clinical testing. Allele origin: germline. Not counted in ClinVar's aggregate classification.
Comment: This variant is classified as likely benign based on ACMG/AMP sequence variant interpretation guidelines (Richards et al. 2015 PMID: 25741868, with internal and published modifications).